The following is an entry in ClinVar:

NM_001005242.3(PKP2):c.326A>C (p.Asp109Ala)

Gene: PKP2 (plakophilin 2; minus strand). Cytogenetic location: 12p11.21.
Variant type: single nucleotide variant.
Coding change: c.326A>C on transcript NM_001005242.3 (MANE Select); coding-DNA position 326, A replaced by C.
Protein change: p.Asp109Ala; replaces aspartic acid 109 with alanine.
Molecular consequence: missense variant. On other transcripts: 5 prime UTR variant (4).
Genome position (GRCh38, 1-based): chr12:32,878,930, T>G on the plus strand (A>C on the coding strand, the complement: PKP2 is on the minus strand). VCF-style: chr12-32878930-T-G. GRCh37 (hg19) VCF-style: chr12-33031864-T-G.
Other names: c.326A>C, p.Asp109Ala (NM_001407155.1, NM_001407156.1, NM_001407157.1 and 2 more transcripts); c.-2A>C (NM_001407158.1, NM_001407159.1, NM_001407160.1 and 1 more transcripts); short protein forms D109A.
Identifiers: ClinVar variation 3075008 (VCV003075008.1), dbSNP rs756446946, ClinGen allele CA384366364.
Genomic context (GRCh38, chr12:32,878,930, plus strand): 5'-TTTTCATGGTAGTAATCTGATCACTAGGGTTACATTCTTTGATATCCTACCTTTAGCATG[T>G]CATAGGTTTTAGGAACAGGGGAACGGCCTCCAACAAAATCATTTTCAACCAAGTGTAGGT-3'
Protein context (NP_001005242.2, residues 99-119): GGRSPVPKTY[Asp109Ala]MLKAGTTATY

ClinVar aggregate classification (germline): Uncertain significance (1 of 4 stars; one submission).

Conditions:
Arrhythmogenic right ventricular cardiomyopathy (ARVD). Also called: Arrhythmogenic right ventricular dysplasia; Cardiomyopathy, ARVC; Arrhythmogenic cardiomyopathy; Arrhythmogenic Right Ventricular Cardiomyopathy (ARVC). Identifiers: Orphanet 247, MedGen C0349788, MeSH D019571, MONDO:0016587. Disease mechanism: loss of function. Inheritance: Various modes of inheritance.

Submission:

All of Us Research Program, National Institutes of Health
Classification: Uncertain significance for Arrhythmogenic right ventricular cardiomyopathy. Last evaluated: 2024-01-11. Review status: criteria provided, single submitter. Criteria: ACMG Guidelines, 2015. Collection method: clinical testing. Allele origin: germline. Inheritance: Autosomal dominant inheritance. Observed: 1 variant allele, 1 heterozygote.
Comment: This study involves interpretation of variants in research participants for the purpose of population health screening. Participant phenotype was not available at the time of variant classification. Additional details can be found in publication PMID: 35346344, PMCID: PMC8962531